The following is an entry in ClinVar:

ClinVar aggregate classification (germline): Uncertain significance (1 of 4 stars; one submission).

Conditions:
FGFR3-related chondrodysplasia. Identifiers: Orphanet 93420, MedGen C5681604, MONDO:0019685.

Submission:

Genomenon, Inc
Classification: Uncertain significance for FGFR3-related chondrodysplasia. Last evaluated: 2026-06-23. Review status: criteria provided, single submitter. Criteria: Genomenon Sequence Variant Interpretation Standards - Updated. Collection method: curation. Allele origin: germline. Affected: no.
Comment: FGFR3 p.Arg155Leu (c.464G>T) is a missense variant that changes the amino acid at codon 155 from Arginine to Leucine. This variant has been reported in the published literature (PMID:35210354). It is absent or not present at a significant frequency in gnomAD. In conclusion, we classify FGFR3 p.Arg155Leu (c.464G>T) as a variant of uncertain significance.

Literature cited by the submitters: PubMed 35210354.

NM_000142.5(FGFR3):c.464G>T (p.Arg155Leu)

Gene: FGFR3 (fibroblast growth factor receptor 3; plus strand). Cytogenetic location: 4p16.3.
Variant type: single nucleotide variant.
Coding change: c.464G>T on transcript NM_000142.5 (MANE Select); coding-DNA position 464, G replaced by T.
Protein change: p.Arg155Leu; replaces arginine 155 with leucine.
Molecular consequence: missense variant. On other transcripts: non-coding transcript variant (1).
Genome position (GRCh38, 1-based): chr4:1,801,385, G>T. VCF-style: chr4-1801385-G-T. GRCh37 (hg19) VCF-style: chr4-1803112-G-T.
Other names: c.464G>T, p.Arg155Leu (NM_001163213.2, NM_001354809.2, NM_001354810.2 and 1 more transcripts); short protein forms R155L.
Identifiers: ClinVar variation 4857822 (VCV004857822.1).